The following is an entry in ClinVar:

ClinVar aggregate classification (germline): Pathogenic (1 of 4 stars; one submission).

Submission:

Labcorp Genetics (formerly Invitae), Labcorp
Classification: Pathogenic. Last evaluated: 2020-09-10. Review status: criteria provided, single submitter. Criteria: Invitae Variant Classification Sherloc (09022015). Collection method: clinical testing. Allele origin: germline.
Comment: This sequence change creates a premature translational stop signal (p.Asp1192Metfs*17) in the LOXHD1 gene. It is expected to result in an absent or disrupted protein product. This variant is not present in population databases (ExAC no frequency). This variant has not been reported in the literature in individuals with LOXHD1-related conditions. Loss-of-function variants in LOXHD1 are known to be pathogenic (PMID: 19732867, 21465660, 25792669). For these reasons, this variant has been classified as Pathogenic.

Literature cited by the submitters: PubMed 19732867; PubMed 21465660; PubMed 25792669.

NM_001384474.1(LOXHD1):c.3573del (p.Asp1192fs)

Gene: LOXHD1 (lipoxygenase homology PLAT domains 1; minus strand). Cytogenetic location: 18q21.1.
Variant type: Deletion.
Coding change: c.3573del on transcript NM_001384474.1 (MANE Select); coding-DNA position 3573, one base deleted (A; older notation c.3573delA).
Protein change: p.Asp1192fs; shifts the reading frame from aspartic acid 1192.
Molecular consequence: frameshift variant. On other transcripts: 5 prime UTR variant (1).
Genome position (GRCh38, 1-based): chr18:46,545,363, T deleted on the plus strand (A on the coding strand, the reverse complement: LOXHD1 is on the minus strand). VCF-style (leftmost placement, unchanged base first): chr18-46545362-CT-C. GRCh37 (hg19) VCF-style: chr18-44125325-CT-C.
Other names: c.240del, p.Asp81fs (NM_001145472.3); c.-49del (NM_001308013.2); c.3573del, p.Asp1192fs (NM_144612.7); short protein forms D1192fs, D81fs.
Identifiers: ClinVar variation 1070825 (VCV001070825.7), dbSNP rs2144401070, ClinGen allele CA2499225157.